The following is an entry in ClinVar:

NM_000548.5(TSC2):c.1599+8C>T

Gene: TSC2 (TSC complex subunit 2; plus strand). Cytogenetic location: 16p13.3.
Variant type: single nucleotide variant.
Coding change: c.1599+8C>T on transcript NM_000548.5 (MANE Select); 8 bases into the intron after coding-DNA position 1599, C replaced by T.
Molecular consequence: intron variant.
Genome position (GRCh38, 1-based): chr16:2,064,435, C>T. VCF-style: chr16-2064435-C-T. GRCh37 (hg19) VCF-style: chr16-2114436-C-T.
Other names: c.1599+8C>T (NM_001114382.3, NM_021055.3, NM_001370405.1 and 3 more transcripts); c.1488+8C>T (NM_001318827.2); c.999+8C>T (NM_001318831.2); c.1452+8C>T (NM_001318829.2); c.1632+8C>T (NM_001318832.2).
Identifiers: ClinVar variation 467881 (VCV000467881.12), dbSNP rs780311327, ClinGen allele CA658658364.
Genomic context (GRCh38, chr16:2,064,435, plus strand): 5'-CAGAGGGCTGCCACACACACCACTTCAACAGCCTGCTGGACATCATCGAGAAGGTGAGAG[C>T]CGTTGTACCCGGGGCCGGGTGCTAGCGTGCCAGAGCTCCGTGGGCAGCAATGGCCTCTGG-3'

ClinVar aggregate classification (germline): Likely benign. Review status: criteria provided, multiple submitters, no conflicts (2 of 4 stars). 2 submissions from 2 submitters: Likely benign (2). Last evaluated 2025-05-14.

Conditions:
Tuberous sclerosis 2 (TSC2). Identifiers: Orphanet 805, MedGen C1860707, MONDO:0013199, OMIM 613254.

Submissions (2):

Myriad Genetics, Inc.
Classification: Likely benign for Tuberous sclerosis 2. Last evaluated: 2025-05-14. Review status: criteria provided, single submitter. Criteria: Myriad Autosomal Dominant, Autosomal Recessive and X-Linked Classification Criteria (2023). Collection method: clinical testing. Allele origin: unknown.
Comment: This variant is considered likely benign. This variant is intronic and is not expected to impact mRNA splicing.

Labcorp Genetics (formerly Invitae), Labcorp
Classification: Likely benign for Tuberous sclerosis 2. Last evaluated: 2025-03-19. Review status: criteria provided, single submitter. Criteria: Invitae Variant Classification Sherloc (09022015). Collection method: clinical testing. Allele origin: germline.